The following is an entry in ClinVar:

NM_014874.4(MFN2):c.1991A>G (p.Gln664Arg)

Gene: MFN2 (mitofusin 2; plus strand). Cytogenetic location: 1p36.22.
Variant type: single nucleotide variant.
Coding change: c.1991A>G on transcript NM_014874.4 (MANE Select); coding-DNA position 1991, A replaced by G.
Protein change: p.Gln664Arg; replaces glutamine 664 with arginine.
Molecular consequence: missense variant.
Genome position (GRCh38, 1-based): chr1:12,007,171, A>G. VCF-style: chr1-12007171-A-G. GRCh37 (hg19) VCF-style: chr1-12067228-A-G.
Other names: c.1991A>G, p.Gln664Arg (NM_001127660.2); short protein forms Q664R.
Identifiers: ClinVar variation 1311579 (VCV001311579.2), dbSNP rs2100858529, ClinGen allele CA338451373.

ClinVar aggregate classification (germline): Uncertain significance (1 of 4 stars; one submission).

Submission:

GeneDx
Classification: Uncertain significance. Last evaluated: 2020-01-10. Review status: criteria provided, single submitter. Criteria: GeneDx Variant Classification Process June 2021. Collection method: clinical testing. Allele origin: germline. Affected: yes.
Comment: Not observed in large population cohorts (Lek et al., 2016); In silico analysis, which includes protein predictors and evolutionary conservation, supports a deleterious effect; Has not been previously published as pathogenic or benign to our knowledge